The following is an entry in ClinVar:

ClinVar aggregate classification (germline): Uncertain significance (1 of 4 stars; one submission).

Conditions:
Ataxia-telangiectasia syndrome (AT). Also called: Cerebello-oculocutaneous telangiectasia; Immunodeficiency with ataxia telangiectasia; Ataxia-telangiectasia, complementation group E; Ataxia telangiectasia (A-T); AT, COMPLEMENTATION GROUP C; ATAXIA-TELANGIECTASIA, COMPLEMENTATION GROUP A. Identifiers: Orphanet 100, MedGen C0004135, MONDO:0008840, OMIM 208900.

Allele frequency attached by ClinVar (database versions not stated): ExAC 0.00001.
gnomAD v4.1: 3 of 1,614,016 alleles (0.00019%); highest among the groups gnomAD compares: South Asian, 0.0033%; no homozygotes.

Submission:

Labcorp Genetics (formerly Invitae), Labcorp
Classification: Uncertain significance for Ataxia-telangiectasia syndrome. Last evaluated: 2023-08-05. Review status: criteria provided, single submitter. Criteria: Invitae Variant Classification Sherloc (09022015). Collection method: clinical testing. Allele origin: germline.
Comment: In summary, the available evidence is currently insufficient to determine the role of this variant in disease. Therefore, it has been classified as a Variant of Uncertain Significance. RNA analysis performed to evaluate the impact of this missense change on mRNA splicing indicates it does not significantly alter splicing (Invitae). An algorithm developed to predict the effect of missense changes on protein structure and function (PolyPhen-2) suggests that this variant is likely to be disruptive. This variant has not been reported in the literature in individuals affected with ATM-related conditions. This variant is present in population databases (rs766405101, gnomAD 0.003%). This sequence change replaces leucine, which is neutral and non-polar, with serine, which is neutral and polar, at codon 951 of the ATM protein (p.Leu951Ser).

NM_000051.4(ATM):c.2852T>C (p.Leu951Ser)

Gene: ATM (ATM serine/threonine kinase; plus strand). Cytogenetic location: 11q22.3.
Variant type: single nucleotide variant.
Coding change: c.2852T>C on transcript NM_000051.4 (MANE Select); coding-DNA position 2852, T replaced by C.
Protein change: p.Leu951Ser; replaces leucine 951 with serine.
Molecular consequence: missense variant.
Genome position (GRCh38, 1-based): chr11:108,271,077, T>C. VCF-style: chr11-108271077-T-C. GRCh37 (hg19) VCF-style: chr11-108141804-T-C.
Other names: c.2852T>C, p.Leu951Ser (NM_001351834.2); short protein forms L951S.
Identifiers: ClinVar variation 2906267 (VCV002906267.3), dbSNP rs766405101, ClinGen allele CA6265133.